The following is an entry in ClinVar:

ClinVar aggregate classification (germline): Uncertain significance. Review status: criteria provided, multiple submitters, no conflicts (2 of 4 stars). 2 submissions from 2 submitters: Uncertain significance (2). Last evaluated 2025-04-04.

Conditions:
Multiple endocrine neoplasia type 4. Also called: MULTIPLE ENDOCRINE NEOPLASIA, TYPE IV. Identifiers: Orphanet 276152, MedGen C1970712, MONDO:0012552, OMIM 610755.

Allele frequency attached by ClinVar (database versions not stated): ExAC 0.00001.

Submissions (2):

Dasa
Classification: Uncertain significance. Last evaluated: 2025-04-04. Review status: criteria provided, single submitter. Criteria: DASA Assertion Criteria. Collection method: clinical testing. Allele origin: germline.
Comment: NM_004064.5(CDKN1B):c.307G>A (p.Ala103Thr) is a missense variant that results in the substitution of alanine with threonine. This variant is rare in population databases. Computational prediction algorithms are consistent with a benign effect. The currently available literature and clinical evidence are not sufficient to establish a definitive association between this variant and the reported condition. Therefore, this variant is classified as a variant of uncertain significance.

Labcorp Genetics (formerly Invitae), Labcorp
Classification: Uncertain significance for Multiple endocrine neoplasia type 4. Last evaluated: 2023-04-26. Review status: criteria provided, single submitter. Criteria: Invitae Variant Classification Sherloc (09022015). Collection method: clinical testing. Allele origin: germline.
Comment: This sequence change replaces alanine, which is neutral and non-polar, with threonine, which is neutral and polar, at codon 103 of the CDKN1B protein (p.Ala103Thr). This variant is present in population databases (rs772163071, gnomAD 0.006%). In summary, the available evidence is currently insufficient to determine the role of this variant in disease. Therefore, it has been classified as a Variant of Uncertain Significance. Algorithms developed to predict the effect of missense changes on protein structure and function output the following: SIFT: "Not Available"; PolyPhen-2: "Benign"; Align-GVGD: "Not Available". The threonine amino acid residue is found in multiple mammalian species, which suggests that this missense change does not adversely affect protein function. This variant has not been reported in the literature in individuals affected with CDKN1B-related conditions.

NM_004064.5(CDKN1B):c.307G>A (p.Ala103Thr)

Gene: CDKN1B (cyclin dependent kinase inhibitor 1B; plus strand). Cytogenetic location: 12p13.1.
Variant type: single nucleotide variant.
Coding change: c.307G>A on transcript NM_004064.5 (MANE Select); coding-DNA position 307, G replaced by A.
Protein change: p.Ala103Thr; replaces alanine 103 with threonine.
Molecular consequence: missense variant.
Genome position (GRCh38, 1-based): chr12:12,718,146, G>A. VCF-style: chr12-12718146-G-A. GRCh37 (hg19) VCF-style: chr12-12871080-G-A.
Other names: short protein forms A103T.
Identifiers: ClinVar variation 2859364 (VCV002859364.5), dbSNP rs772163071, ClinGen allele CA6457456.
Genomic context (GRCh38, chr12:12,718,146, plus strand): 5'-AGCTTGCCCGAGTTCTACTACAGACCCCCGCGGCCCCCCAAAGGTGCCTGCAAGGTGCCG[G>A]CGCAGGAGAGCCAGGATGTCAGCGGGAGCCGCCCGGCGGCGCCTTTAATTGGGGCTCCGG-3'
Protein context (NP_004055.1, residues 93-113): RPPKGACKVP[Ala103Thr]QESQDVSGSR